The following is an entry in ClinVar:

NM_015466.4(PTPN23):c.3037C>T (p.Pro1013Ser)

Gene: PTPN23 (protein tyrosine phosphatase non-receptor type 23; plus strand). Cytogenetic location: 3p21.31.
Variant type: single nucleotide variant.
Coding change: c.3037C>T on transcript NM_015466.4 (MANE Select); coding-DNA position 3037, C replaced by T.
Protein change: p.Pro1013Ser; replaces proline 1013 with serine.
Molecular consequence: missense variant.
Genome position (GRCh38, 1-based): chr3:47,410,835, C>T. VCF-style: chr3-47410835-C-T. GRCh37 (hg19) VCF-style: chr3-47452325-C-T.
Other names: c.2659C>T, p.Pro887Ser (NM_001304482.2); short protein forms P887S, P1013S.
Identifiers: ClinVar variation 872547 (VCV000872547.46), dbSNP rs1339654552, ClinGen allele CA352561022.

ClinVar aggregate classification (germline): Uncertain significance. Review status: criteria provided, multiple submitters, no conflicts (2 of 4 stars). 2 submissions from 2 submitters: Uncertain significance (2). Last evaluated 2025-03-03.

gnomAD v4.1: 2 of 1,603,380 alleles (0.00012%); highest among the groups gnomAD compares: Non-Finnish European, 0.00017%; no homozygotes.

Submissions (2):

Labcorp Genetics (formerly Invitae), Labcorp
Classification: Uncertain significance. Last evaluated: 2025-03-03. Review status: criteria provided, single submitter. Criteria: Invitae Variant Classification Sherloc (09022015). Collection method: clinical testing. Allele origin: germline.
Comment: This sequence change replaces proline, which is neutral and non-polar, with serine, which is neutral and polar, at codon 1013 of the PTPN23 protein (p.Pro1013Ser). This variant is not present in population databases (gnomAD no frequency). This variant has not been reported in the literature in individuals affected with PTPN23-related conditions. ClinVar contains an entry for this variant (Variation ID: 872547). Experimental studies and prediction algorithms are not available or were not evaluated, and the functional significance of this variant is currently unknown. In summary, the available evidence is currently insufficient to determine the role of this variant in disease. Therefore, it has been classified as a Variant of Uncertain Significance.

CeGaT Center for Human Genetics Tuebingen
Classification: Uncertain significance. Last evaluated: 2019-09-01. Review status: criteria provided, single submitter. Criteria: CeGaT Center For Human Genetics Tuebingen Variant Classification Criteria Version 2. Collection method: clinical testing. Allele origin: germline. Affected: yes. Observed: 1 variant allele.